The following is an entry in ClinVar:

NM_207111.4(RNF216):c.769G>C (p.Glu257Gln)

Gene: RNF216 (ring finger protein 216; minus strand). Cytogenetic location: 7p22.1.
Variant type: single nucleotide variant.
Coding change: c.769G>C on transcript NM_207111.4 (MANE Select); coding-DNA position 769, G replaced by C.
Protein change: p.Glu257Gln; replaces glutamic acid 257 with glutamine.
Molecular consequence: missense variant.
Genome position (GRCh38, 1-based): chr7:5,741,248, C>G on the plus strand (G>C on the coding strand, the complement: RNF216 is on the minus strand). VCF-style: chr7-5741248-C-G. GRCh37 (hg19) VCF-style: chr7-5780879-C-G.
Other names: c.598G>C, p.Glu200Gln (NM_001377156.1, NM_207116.3); short protein forms E200Q, E257Q.
Identifiers: ClinVar variation 4874777 (VCV004874777.2).
Genomic context (GRCh38, chr7:5,741,248, plus strand): 5'-GCCTTGGAAAAGCGGGCCCTGGGAATTCATGCTGAAACAACAAGCGGCCCAGTTCTGCTT[C>G]AGGCTGCCGTTCCTGAGGAACGACCTGGTTTGTTATTTCACGGGGCTGTTGGTTCAGAGA-3'
Protein context (NP_996994.1, residues 247-267): NQVVPQERQP[Glu257Gln]AELGRLLFQH

ClinVar aggregate classification (germline): Uncertain significance (1 of 4 stars; one submission).

gnomAD v4.1: 1 of 1,614,170 alleles (0.000062%); no homozygotes.

Submission:

CeGaT Center for Human Genetics Tuebingen
Classification: Uncertain significance. Last evaluated: 2026-04-01. Review status: criteria provided, single submitter. Criteria: CeGaT Center For Human Genetics Tuebingen Variant Classification Criteria Version 2. Collection method: clinical testing. Allele origin: germline. Affected: yes. Observed: 1 variant allele.
Comment: RNF216: PM2, BP4